The following is an entry in ClinVar:

ClinVar aggregate classification (germline): Benign. Review status: criteria provided, multiple submitters, no conflicts (2 of 4 stars). 2 submissions from 2 submitters: Benign (2). Last evaluated 2018-06-14.

Allele frequency attached by ClinVar (database versions not stated): TOPMed 0.07735; gnomAD 0.07964 and 0.08479; 1000 Genomes Project 30x 0.09244; 1000 Genomes Project 0.09545; gnomAD exomes 0.11036.
gnomAD v4.1: 90,913 of 860,906 alleles (11%); highest among the groups gnomAD compares: Middle Eastern, 21%; 5,766 homozygotes.

Submissions (2):

GeneDx
Classification: Benign. Last evaluated: 2018-06-14. Review status: criteria provided, single submitter. Criteria: GeneDx Variant Classification (06012015). Collection method: clinical testing. Allele origin: germline. Affected: yes.
Comment: This variant is considered likely benign or benign based on one or more of the following criteria: it is a conservative change, it occurs at a poorly conserved position in the protein, it is predicted to be benign by multiple in silico algorithms, and/or has population frequency not consistent with disease.

Breakthrough Genomics
Classification: Benign. Review status: criteria provided, single submitter. Criteria: ACMG Guidelines, 2015. Collection method: not provided. Allele origin: germline. Inheritance: Autosomal recessive inheritance. Affected: yes.

NM_001013703.4(EIF2AK4):c.744-99G>A

Gene: EIF2AK4 (eukaryotic translation initiation factor 2 alpha kinase 4; plus strand). Cytogenetic location: 15q15.1.
Variant type: single nucleotide variant.
Coding change: c.744-99G>A on transcript NM_001013703.4 (MANE Select); 99 bases into the intron before coding-DNA position 744, G replaced by A.
Molecular consequence: intron variant.
Genome position (GRCh38, 1-based): chr15:39,961,685, G>A. VCF-style: chr15-39961685-G-A. GRCh37 (hg19) VCF-style: chr15-40253886-G-A.
Identifiers: ClinVar variation 674893 (VCV000674893.2), dbSNP rs17720964, ClinGen allele CA14169607.